The following is an entry in ClinVar:

ClinVar aggregate classification (germline): Pathogenic (1 of 4 stars; one submission).

Submission:

GeneDx
Classification: Pathogenic. Last evaluated: 2015-05-18. Review status: criteria provided, single submitter. Criteria: GeneDx Variant Classification (06012015). Collection method: clinical testing. Allele origin: germline. Affected: yes.
Comment: The c.5069-2 A>C splice site variant in the TSC2 gene destroys the canonical splice acceptor site in intron37. It is predicted to cause abnormal gene splicing, either leading to an abnormal message that is subject tononsense-mediated mRNA decay, or to an abnormal protein product if the message is used for protein translation. Additionally, a different splice site variant at the same residue (c.5069-2 A>G) has beenpublished in association with tuberous sclerosis (TSC2 LOVD database; Jones et al., 1997). Although thec.5069-2 A>C variant has not been previously reported to our knowledge, we interpret this variant as pathogenic.

NM_000548.5(TSC2):c.5069-2A>C

Gene: TSC2 (TSC complex subunit 2; plus strand). Cytogenetic location: 16p13.3.
Variant type: single nucleotide variant.
Coding change: c.5069-2A>C on transcript NM_000548.5 (MANE Select); the canonical splice acceptor site of the intron before coding-DNA position 5069, A replaced by C.
Molecular consequence: splice acceptor variant.
Genome position (GRCh38, 1-based): chr16:2,088,046, A>C. VCF-style: chr16-2088046-A-C. GRCh37 (hg19) VCF-style: chr16-2138047-A-C.
Other names: c.4868-2A>C (NM_001077183.3); c.3527-2A>C (NM_001406694.1, NM_001406693.1, NM_001406692.1); c.3524-2A>C (NM_001406695.1, NM_001406696.1, NM_001406697.1); c.4859-2A>C (NM_001406671.1); c.4856-2A>C (NM_001406673.1); c.4409-2A>C (NM_001406681.1); c.4889-2A>C (NM_001406670.1); c.4760-2A>C (NM_001318827.2); and 26 more.
Identifiers: ClinVar variation 379819 (VCV000379819.2), dbSNP rs45487291, ClinGen allele CA16608078.